The following is an entry in ClinVar:

ClinVar aggregate classification (germline): Conflicting classifications of pathogenicity. Review status: criteria provided, conflicting classifications (1 of 4 stars). 4 submissions from 4 submitters: Uncertain significance (2); Benign (1); Likely benign (1). Last evaluated 2025-01-06.

Conditions:
Hereditary nonpolyposis colorectal neoplasms. Identifiers: MedGen C0009405, MeSH D003123.
Hereditary cancer-predisposing syndrome. Also called: Neoplastic Syndromes, Hereditary; Hereditary neoplastic syndrome; Tumor predisposition; Hereditary Cancer Syndrome. Identifiers: Orphanet 140162, MedGen C0027672, MeSH D009386, MONDO:0015356.
Lynch syndrome 5 (LYNCH5). Also called: Colorectal cancer, hereditary nonpolyposis, type 5; Hereditary non-polyposis colorectal cancer, type 5. Identifiers: Orphanet 144, MedGen C1833477, MONDO:0013710, OMIM 614350. Disease mechanism: loss of function.

Submissions (4):

Myriad Genetics, Inc.
Classification: Benign for Lynch syndrome 5. Last evaluated: 2025-01-06. Review status: criteria provided, single submitter. Criteria: Myriad Autosomal Dominant, Autosomal Recessive and X-Linked Classification Criteria (2023). Collection method: clinical testing. Allele origin: unknown.
Comment: This variant is considered benign. This variant is a silent/synonymous amino acid change and it is not expected to impact splicing.

Labcorp Genetics (formerly Invitae), Labcorp
Classification: Uncertain significance for Hereditary nonpolyposis colorectal neoplasms. Last evaluated: 2024-10-12. Review status: criteria provided, single submitter. Criteria: Invitae Variant Classification Sherloc (09022015). Collection method: clinical testing. Allele origin: germline.
Comment: This sequence change affects codon 1125 of the MSH6 mRNA. It is a 'silent' change, meaning that it does not change the encoded amino acid sequence of the MSH6 protein. This variant is not present in population databases (gnomAD no frequency). This variant has not been reported in the literature in individuals affected with MSH6-related conditions. ClinVar contains an entry for this variant (Variation ID: 1396367). Algorithms developed to predict the effect of sequence changes on RNA splicing suggest that this variant may create or strengthen a splice site. In summary, the available evidence is currently insufficient to determine the role of this variant in disease. Therefore, it has been classified as a Variant of Uncertain Significance.

Color Diagnostics, LLC DBA Color Health
Classification: Likely benign for Hereditary cancer-predisposing syndrome. Last evaluated: 2022-05-17. Review status: criteria provided, single submitter. Criteria: ACMG Guidelines, 2015. Collection method: clinical testing. Allele origin: germline.

Ambry Genetics
Classification: Uncertain significance for Hereditary cancer-predisposing syndrome. Last evaluated: 2021-07-15. Review status: criteria provided, single submitter. Criteria: Ambry Variant Classification Scheme 2023. Collection method: clinical testing. Allele origin: germline.
Comment: The c.3375C>T variant (also known as p.G1125G), located in coding exon 5 of the MSH6 gene, results from a C to T substitution at nucleotide position 3375. This nucleotide substitution does not change the glycine at codon 1125. This nucleotide position is not well conserved in available vertebrate species. In silico splice site analysis predicts that this alteration will result in the creation or strengthening of a novel splice donor site; however, direct evidence is insufficient at this time (Ambry internal data). Since supporting evidence is limited at this time, the clinical significance of this alteration remains unclear.

NM_000179.3(MSH6):c.3375C>T (p.Gly1125=)

Gene: MSH6 (mutS homolog 6; plus strand). Cytogenetic location: 2p16.3.
Variant type: single nucleotide variant.
Coding change: c.3375C>T on transcript NM_000179.3 (MANE Select); coding-DNA position 3375, C replaced by T.
Protein change: p.Gly1125=; no amino-acid change (glycine 1125 retained).
Molecular consequence: synonymous variant.
Genome position (GRCh38, 1-based): chr2:47,803,622, C>T. VCF-style: chr2-47803622-C-T. GRCh37 (hg19) VCF-style: chr2-48030761-C-T.
Other names: c.2985C>T, p.Gly995= (NM_001281492.2); c.2469C>T, p.Gly823= (NM_001281493.2, NM_001281494.2).
Identifiers: ClinVar variation 1396367 (VCV001396367.11), dbSNP rs765577023, ClinGen allele CA426122030.